The following is an entry in ClinVar:

ClinVar aggregate classification (germline): Uncertain significance (1 of 4 stars; one submission).

Submission:

GeneDx
Classification: Uncertain significance. Last evaluated: 2023-07-12. Review status: criteria provided, single submitter. Criteria: GeneDx Variant Classification Process June 2021. Collection method: clinical testing. Allele origin: germline.
Comment: Not observed at significant frequency in large population cohorts (gnomAD); In silico analysis supports that this missense variant has a deleterious effect on protein structure/function; Has not been previously published as pathogenic or benign to our knowledge; This variant is associated with the following publications: (PMID: 22982744)

NM_001365902.3(NFIX):c.34T>C (p.Phe12Leu)

Gene: NFIX (nuclear factor I X; plus strand). Cytogenetic location: 19p13.13.
Variant type: single nucleotide variant.
Coding change: c.34T>C on transcript NM_001365902.3 (MANE Select); coding-DNA position 34, T replaced by C.
Protein change: p.Phe12Leu; replaces phenylalanine 12 with leucine.
Molecular consequence: missense variant. On other transcripts: 5 prime UTR variant (1).
Genome position (GRCh38, 1-based): chr19:13,025,027, T>C. VCF-style: chr19-13025027-T-C. GRCh37 (hg19) VCF-style: chr19-13135841-T-C.
Other names: c.58T>C, p.Phe20Leu (NM_001271043.2); c.10T>C, p.Phe4Leu (NM_001271044.3, NM_001378404.1); c.34T>C, p.Phe12Leu (NM_001365982.2, NM_002501.4); c.-108T>C (NM_001365983.2); c.31T>C, p.Phe11Leu (NM_001365984.2, NM_001365985.2); c.82T>C, p.Phe28Leu (NM_001378405.1); short protein forms F11L, F12L, F20L, F28L, F4L.
Identifiers: ClinVar variation 2504679 (VCV002504679.2), dbSNP rs2512742307, ClinGen allele CA404312365.
Genomic context (GRCh38, chr19:13,025,027, plus strand): 5'-TTCCCCTCCTCCCGTCCTCCCTCGCCCCGCATGCTCCCGGCTTGCCGCCTGCAGGATGAG[T>C]TCCACCCGTTCATCGAGGCACTGCTGCCTCACGTCCGCGCTTTCTCCTACACCTGGTTCA-3'
Protein context (NP_001352831.1, residues 2-22): YSPYCLTQDE[Phe12Leu]HPFIEALLPH